The following is an entry in ClinVar:

NM_004415.4(DSP):c.471T>G (p.Ser157Arg)

Gene: DSP (desmoplakin; plus strand). Cytogenetic location: 6p24.3.
Variant type: single nucleotide variant.
Coding change: c.471T>G on transcript NM_004415.4 (MANE Select); coding-DNA position 471, T replaced by G.
Protein change: p.Ser157Arg; replaces serine 157 with arginine.
Molecular consequence: missense variant.
Genome position (GRCh38, 1-based): chr6:7,559,274, T>G. VCF-style: chr6-7559274-T-G. GRCh37 (hg19) VCF-style: chr6-7559507-T-G.
Other names: c.471T>G, p.Ser157Arg (NM_001008844.3, NM_001319034.2, NM_001406591.1); short protein forms S157R.
Identifiers: ClinVar variation 4792456 (VCV004792456.1).

ClinVar aggregate classification (germline): Uncertain significance (1 of 4 stars; one submission).

Conditions:
Arrhythmogenic cardiomyopathy with wooly hair and keratoderma. Also called: PALMOPLANTAR KERATODERMA WITH LEFT VENTRICULAR CARDIOMYOPATHY AND WOOLLY HAIR; Carvajal syndrome; Dilated cardiomyopathy with woolly hair and keratoderma; Arrhythmogenic cardiomyopathy with woolly hair and keratoderma. Identifiers: Orphanet 65282, MedGen C1854063, MONDO:0011581, OMIM 605676.
Arrhythmogenic right ventricular dysplasia 8 (ARVD8). Also called: Arrhythmogenic Right Ventricular Dysplasia/Cardiomyopathy 8; ARRHYTHMOGENIC RIGHT VENTRICULAR DYSPLASIA, FAMILIAL, 8; ARRHYTHMOGENIC RIGHT VENTRICULAR CARDIOMYOPATHY 8. Identifiers: MedGen C1843896, MONDO:0011831, OMIM 607450.

Submission:

Labcorp Genetics (formerly Invitae), Labcorp
Classification: Uncertain significance for Arrhythmogenic cardiomyopathy with wooly hair and keratoderma; Arrhythmogenic right ventricular dysplasia 8. Last evaluated: 2025-07-13. Review status: criteria provided, single submitter. Criteria: Invitae Variant Classification Sherloc (09022015). Collection method: clinical testing. Allele origin: germline.
Comment: This sequence change replaces serine, which is neutral and polar, with arginine, which is basic and polar, at codon 157 of the DSP protein (p.Ser157Arg). This variant is not present in population databases (gnomAD no frequency). This variant has not been reported in the literature in individuals affected with DSP-related conditions. An algorithm developed to predict the effect of missense changes on protein structure and function (PolyPhen-2) suggests that this variant is likely to be disruptive. In summary, the available evidence is currently insufficient to determine the role of this variant in disease. Therefore, it has been classified as a Variant of Uncertain Significance.